The following is an entry in ClinVar:

ClinVar aggregate classification (germline): Pathogenic (1 of 4 stars; one submission).

Submission:

Labcorp Genetics (formerly Invitae), Labcorp
Classification: Pathogenic. Last evaluated: 2022-09-28. Review status: criteria provided, single submitter. Criteria: Invitae Variant Classification Sherloc (09022015). Collection method: clinical testing. Allele origin: germline.
Comment: For these reasons, this variant has been classified as Pathogenic. A similar copy number variant has been observed in individual(s) with ocular albinism (PMID: 18821858). This variant is a gross deletion of the genomic region encompassing exon(s) 2 of the TYR gene. This deletion is out-of-frame, and is expected to create a premature termination codon and result in an absent or disrupted protein product. Loss-of-function variants in TYR are known to be pathogenic (PMID: 23504663).

Literature cited by the submitters: PubMed 18821858; PubMed 23504663.

NC_000011.9:g.(?_88924350)_(88924606_?)del

Gene: TYR (tyrosinase; plus strand). Cytogenetic location: 11q14.3.
Variant type: Deletion.
Identifiers: ClinVar variation 2422974 (VCV002422974.4).